The following is an entry in ClinVar:

NM_020433.5(JPH2):c.719G>A (p.Gly240Asp)

Gene: JPH2 (junctophilin 2; minus strand). Cytogenetic location: 20q13.12.
Variant type: single nucleotide variant.
Coding change: c.719G>A on transcript NM_020433.5 (MANE Select); coding-DNA position 719, G replaced by A.
Protein change: p.Gly240Asp; replaces glycine 240 with aspartic acid.
Molecular consequence: missense variant.
Genome position (GRCh38, 1-based): chr20:44,160,068, C>T on the plus strand (G>A on the coding strand, the complement: JPH2 is on the minus strand). VCF-style: chr20-44160068-C-T. GRCh37 (hg19) VCF-style: chr20-42788708-C-T.
Other names: short protein forms G240D.
Identifiers: ClinVar variation 3862299 (VCV003862299.1).

ClinVar aggregate classification (germline): Uncertain significance (1 of 4 stars; one submission).

Conditions:
Cardiovascular phenotype. Identifiers: MedGen CN230736.

gnomAD v4.1: 1 of 1,538,832 alleles (0.000065%); highest among the groups gnomAD compares: Non-Finnish European, 0.000087%; no homozygotes.

Submission:

Ambry Genetics
Classification: Uncertain significance for Cardiovascular phenotype. Last evaluated: 2025-02-15. Review status: criteria provided, single submitter. Criteria: Ambry Variant Classification Scheme 2023. Collection method: clinical testing. Allele origin: germline.
Comment: The p.G240D variant (also known as c.719G>A), located in coding exon 2 of the JPH2 gene, results from a G to A substitution at nucleotide position 719. The glycine at codon 240 is replaced by aspartic acid, an amino acid with similar properties. This amino acid position is conserved. In addition, this alteration is predicted to be tolerated by in silico analysis. Based on the available evidence, the clinical significance of this variant remains unclear.